The following is an entry in ClinVar:

ClinVar aggregate classification (germline): Uncertain significance (1 of 4 stars; one submission).

Submission:

Women's Health and Genetics/Laboratory Corporation of America, LabCorp
Classification: Uncertain significance. Last evaluated: 2024-03-15. Review status: criteria provided, single submitter. Criteria: LabCorp Variant Classification Summary - May 2015. Collection method: clinical testing. Allele origin: germline.
Comment: Variant summary: CREBBP c.5986G>C (p.Ala1996Pro) results in a non-conservative amino acid change in the encoded protein sequence. Four of five in-silico tools predict a benign effect of the variant on protein function. The frequency data for this variant in gnomAD is considered unreliable, as metrics indicate poor data quality at this position. To our knowledge, no occurrence of c.5986G>C in individuals affected with Rubinstein-Taybi Syndrome and no experimental evidence demonstrating its impact on protein function have been reported. No submitters have cited clinical-significance assessments for this variant to ClinVar. Based on the evidence outlined above, the variant was classified as uncertain significance.

NM_004380.3(CREBBP):c.5986G>C (p.Ala1996Pro)

Gene: CREBBP (CREB binding protein; minus strand). Cytogenetic location: 16p13.3.
Variant type: single nucleotide variant.
Coding change: c.5986G>C on transcript NM_004380.3 (MANE Select); coding-DNA position 5986, G replaced by C.
Protein change: p.Ala1996Pro; replaces alanine 1996 with proline.
Molecular consequence: missense variant.
Genome position (GRCh38, 1-based): chr16:3,729,061, C>G on the plus strand (G>C on the coding strand, the complement: CREBBP is on the minus strand). VCF-style: chr16-3729061-C-G. GRCh37 (hg19) VCF-style: chr16-3779062-C-G.
Other names: c.5872G>C, p.Ala1958Pro (NM_001079846.1); short protein forms A1958P, A1996P.
Identifiers: ClinVar variation 3233917 (VCV003233917.2), dbSNP rs1302332843, ClinGen allele CA394554714.
Genomic context (GRCh38, chr16:3,729,061, plus strand): 5'-TGCTGGGCATGACGGGCCCGCTCACCTGGTTGGGTCGGGGCACATTCAGGCTCACGGGGG[C>G]CATCTGGCTCCCCGGGGTCCCCATGCCCGTGCGTCCTGGGGGCATGCTGTTGTTGATGTT-3'
Protein context (NP_004371.2, residues 1986-2006): TGMGTPGSQM[Ala1996Pro]PVSLNVPRPN